The following is an entry in ClinVar:

ClinVar aggregate classification (germline): Pathogenic (1 of 4 stars; one submission).

Submission:

Baylor Genetics
Classification: Pathogenic. Last evaluated: 2018-11-01. Review status: criteria provided, single submitter. Criteria: ACMG CNV Guidelines, 2011. Collection method: clinical testing. Allele origin: de novo. Affected: yes. Observed: 1 variant allele.
Comment: Deletions involving this region have been previously reported in patients with developmental delay, hypotonia, heart abnormalities, failure to thrive and dysmorphic features [PMID: 25853300, 23379592]

GRCh37/hg19 19p13.3(chr19:3076808-4796782)

Genes: ANKRD24 (ankyrin repeat domain 24; plus strand), APBA3 (amyloid beta precursor protein binding family A member 3; minus strand), ATCAY (ATCAY kinesin light chain interacting caytaxin; plus strand), CACTIN (cactin, spliceosome C complex subunit; minus strand), CELF5 (CUGBP Elav-like family member 5; plus strand) and 45 more. Cytogenetic location: 19p13.3.
Variant type: copy number loss.
Identifiers: ClinVar variation 625734 (VCV000625734.1).